The following is an entry in ClinVar:

ClinVar aggregate classification (germline): Uncertain significance (1 of 4 stars; one submission).

Conditions:
Autosomal recessive axonal neuropathy with neuromyotonia (NMAN). Also called: Neuromyotonia and axonal neuropathy, autosomal recessive; Gamstorp-Wohlfart syndrome; MYOKYMIA, MYOTONIA, AND MUSCLE WASTING. Identifiers: Orphanet 324442, MedGen C5700127, MONDO:0007646, OMIM 137200.

Submission:

Labcorp Genetics (formerly Invitae), Labcorp
Classification: Uncertain significance for Autosomal recessive axonal neuropathy with neuromyotonia. Last evaluated: 2021-06-25. Review status: criteria provided, single submitter. Criteria: Invitae Variant Classification Sherloc (09022015). Collection method: clinical testing. Allele origin: germline.
Comment: Algorithms developed to predict the effect of missense changes on protein structure and function (SIFT, PolyPhen-2, Align-GVGD) all suggest that this variant is likely to be tolerated, but these predictions have not been confirmed by published functional studies and their clinical significance is uncertain. In summary, the available evidence is currently insufficient to determine the role of this variant in disease. Therefore, it has been classified as a Variant of Uncertain Significance. This variant has not been reported in the literature in individuals with HINT1-related conditions. This variant is not present in population databases (ExAC no frequency). This sequence change replaces leucine with methionine at codon 88 of the HINT1 protein (p.Leu88Met). The leucine residue is moderately conserved and there is a small physicochemical difference between leucine and methionine.

NM_005340.7(HINT1):c.262C>A (p.Leu88Met)

Gene: HINT1 (histidine triad nucleotide binding protein 1; minus strand). Cytogenetic location: 5q23.3.
Variant type: single nucleotide variant.
Coding change: c.262C>A on transcript NM_005340.7 (MANE Select); coding-DNA position 262, C replaced by A.
Protein change: p.Leu88Met; replaces leucine 88 with methionine.
Molecular consequence: missense variant. On other transcripts: non-coding transcript variant (5).
Genome position (GRCh38, 1-based): chr5:131,159,566, G>T on the plus strand (C>A on the coding strand, the complement: HINT1 is on the minus strand). VCF-style: chr5-131159566-G-T. GRCh37 (hg19) VCF-style: chr5-130495259-G-T.
Other names: short protein forms L88M.
Identifiers: ClinVar variation 1449215 (VCV001449215.8), dbSNP rs753840070, ClinGen allele CA360838261.
Genomic context (GRCh38, chr5:131,159,566, plus strand): 5'-CAGACTGTCCACCATCTGAACCTTCATTCACCACCATTCGATAACCCTTATTCAGGCCCA[G>T]ATCAGCAGCACATTTCTTGCCAACAATCATTAAGTGTCCAAGAAGCTGGAAAAGGAAAAA-3'
Protein context (NP_005331.1, residues 78-98): MIVGKKCAAD[Leu88Met]GLNKGYRMVV